The following is an entry in ClinVar:

ClinVar aggregate classification (germline): Uncertain significance (1 of 4 stars; one submission).

Conditions:
Inborn genetic diseases. Identifiers: MedGen C0950123, MeSH D030342.

Submission:

Ambry Genetics
Classification: Uncertain significance for Inborn genetic diseases. Last evaluated: 2026-07-21. Review status: criteria provided, single submitter. Criteria: Ambry Variant Classification Scheme 2023. Collection method: clinical testing. Allele origin: germline.
Comment: The p.P1709S variant (also known as c.5125C>T), located in coding exon 20 of the FANCM gene, results from a C to T substitution at nucleotide position 5125. The proline at codon 1709 is replaced by serine, an amino acid with similar properties. This amino acid position is conserved. In addition, this alteration is predicted to be tolerated by in silico analysis. Based on the available evidence, the clinical significance of this variant remains unclear.

NM_020937.4(FANCM):c.5125C>T (p.Pro1709Ser)

Gene: FANCM (FA complementation group M; plus strand). Cytogenetic location: 14q21.2.
Variant type: single nucleotide variant.
Coding change: c.5125C>T on transcript NM_020937.4 (MANE Select); coding-DNA position 5125, C replaced by T.
Protein change: p.Pro1709Ser; replaces proline 1709 with serine.
Molecular consequence: missense variant.
Genome position (GRCh38, 1-based): chr14:45,189,147, C>T. VCF-style: chr14-45189147-C-T. GRCh37 (hg19) VCF-style: chr14-45658350-C-T.
Other names: c.5047C>T, p.Pro1683Ser (NM_001308133.2); short protein forms P1709S, P1683S.
Identifiers: ClinVar variation 5036630 (VCV005036630.1).